The following is an entry in ClinVar:

NM_015267.4(CUX2):c.3250G>A (p.Asp1084Asn)

Gene: CUX2 (cut like homeobox 2; plus strand). Cytogenetic location: 12q24.12.
Variant type: single nucleotide variant.
Coding change: c.3250G>A on transcript NM_015267.4 (MANE Select); coding-DNA position 3250, G replaced by A.
Protein change: p.Asp1084Asn; replaces aspartic acid 1084 with asparagine.
Molecular consequence: missense variant.
Genome position (GRCh38, 1-based): chr12:111,338,339, G>A. VCF-style: chr12-111338339-G-A. GRCh37 (hg19) VCF-style: chr12-111776143-G-A.
Other names: c.3064G>A, p.Asp1022Asn (NM_001370598.1); short protein forms D1022N, D1084N.
Identifiers: ClinVar variation 4975485 (VCV004975485.2).

ClinVar aggregate classification (germline): Uncertain significance (1 of 4 stars; one submission).

Submission:

GeneDx
Classification: Uncertain significance. Last evaluated: 2026-10-21. Review status: criteria provided, single submitter. Criteria: GeneDx Variant Classification Process June 2021. Collection method: clinical testing. Allele origin: germline.
Comment: Not observed at significant frequency in large population cohorts (gnomAD); In silico analysis supports that this missense variant has a deleterious effect on protein structure/function; Has not been previously published as pathogenic or benign to our knowledge